The following is an entry in ClinVar:

ClinVar aggregate classification (germline): Likely benign. Review status: criteria provided, multiple submitters, no conflicts (2 of 4 stars). 2 submissions from 2 submitters: Likely benign (2). Last evaluated 2025-11-21.

Conditions:
MARS1-related disorder. Also called: MARS1-related condition.
Charcot-Marie-Tooth disease axonal type 2U. Also called: CHARCOT-MARIE-TOOTH NEUROPATHY, TYPE 2U; CHARCOT-MARIE-TOOTH DISEASE, AXONAL, AUTOSOMAL DOMINANT, TYPE 2U. Identifiers: Orphanet 397735, MedGen C4084821, MONDO:0014566, OMIM 616280.
Severe early-onset pulmonary alveolar proteinosis due to MARS deficiency. Also called: PULMONARY ALVEOLAR PROTEINOSIS, REUNION ISLAND; Interstitial lung and liver disease. Identifiers: Orphanet 440427, MedGen C4225400, MONDO:0014206, OMIM 615486.

Allele frequency attached by ClinVar (database versions not stated): gnomAD 0.00062 and 0.00068; TOPMed 0.00069; gnomAD exomes 0.00006 and 0.00019; ExAC 0.00029; 1000 Genomes Project 30x 0.00078; 1000 Genomes Project 0.00080; ESP Exome Variant Server 0.00115.
gnomAD v4.1: 179 of 1,614,198 alleles (0.011%); highest among the groups gnomAD compares: African/African-American, 0.21%; no homozygotes.

Submissions (2):

Labcorp Genetics (formerly Invitae), Labcorp
Classification: Likely benign for Charcot-Marie-Tooth disease axonal type 2U; Severe early-onset pulmonary alveolar proteinosis due to MARS deficiency. Last evaluated: 2025-11-21. Review status: criteria provided, single submitter. Criteria: Invitae Variant Classification Sherloc (09022015). Collection method: clinical testing. Allele origin: germline.

PreventionGenetics, part of Exact Sciences
Classification: Likely benign for MARS1-related condition. Last evaluated: 2025-05-28. Review status: criteria provided, single submitter. Criteria: ACMG Guidelines, 2015. Collection method: clinical testing. Allele origin: germline.
Comment: This variant is classified as likely benign based on ACMG/AMP sequence variant interpretation guidelines (Richards et al. 2015 PMID: 25741868, with internal and published modifications).

NM_004990.4(MARS1):c.1447C>T (p.Arg483Cys)

Gene: MARS1 (methionyl-tRNA synthetase 1; plus strand). Cytogenetic location: 12q13.3.
Variant type: single nucleotide variant.
Coding change: c.1447C>T on transcript NM_004990.4 (MANE Select); coding-DNA position 1447, C replaced by T.
Protein change: p.Arg483Cys; replaces arginine 483 with cysteine.
Molecular consequence: missense variant.
Genome position (GRCh38, 1-based): chr12:57,511,776, C>T. VCF-style: chr12-57511776-C-T. GRCh37 (hg19) VCF-style: chr12-57905559-C-T.
Other names: c.1447C>T (NM_004990.3); short protein forms R483C.
Identifiers: ClinVar variation 1132425 (VCV001132425.10), dbSNP rs143007366, ClinGen allele CA6650520.
Genomic context (GRCh38, chr12:57,511,776, plus strand): 5'-GAGTGGTTGGGGAGGACATTGCCTGGCAGTGACTGGACACCCAATGCCCAGTTTATCACC[C>T]GTTCTTGGCTTCGGGATGGCCTCAAGCCACGCTGCATAACCCGAGACCTCAAATGGGGAA-3'
Protein context (NP_004981.2, residues 473-493): DWTPNAQFIT[Arg483Cys]SWLRDGLKPR